The following continues an entry in ClinVar:

NM_007294.4(BRCA1):c.5333A>G (p.Asp1778Gly)

Gene: BRCA1. ClinVar aggregate classification (germline): Conflicting classifications of pathogenicity. Uncertain significance (1); Benign (3); Likely benign (5).

Submission 15 of 15:

Department of Pathology and Laboratory Medicine, Sinai Health System
Classification: Likely benign for Malignant tumor of breast. Review status: no assertion criteria provided. Collection method: clinical testing. Allele origin: unknown. Affected: yes. Study: The Canadian Open Genetics Repository (COGR). Not counted in ClinVar's aggregate classification.
Comment: The variant was identified in dbSNP (ID: rs80357041) â€šÃ„ÃºWith unknown alleleâ€šÃ„Ã¹ but no frequency information was provided, so the prevalence of this variant in the general population is not known. The variant was classified as a benign variant by the Sharing Clinical Reports Project (SCRP) (submitted within the ClinVar database and derived from Myriad reports). The variant was also reported in HGMD, LOVD, once in the UMD as an unclassified variant, and once in the BIC database with unknown clinical importance. The p.Asp1778Gly variant occurs in the first base of the exon; this position has been shown to be part of the splicing consensus sequence and variants involving this position sometimes affect splicing; however, in silico or computational prediction software (SpliceSiteFinder, MaxEntScan, NNSPLICE, GeneSplicer, HumanSpliceFinder) yielded inconsistent predictions of this variant on splicing and this information is not very predictive of pathogenicity. Two studies using RT-PCR analysis of the variant found no aberrant changes to the BRCA1 mRNA transcript, indicating that this variant exhibits normal splicing (Colombo 2012, Thomassen 2012). The p.Asp1778 residue is conserved in mammals but not in lower organisms, with the variant amino acid Glycine (Gly) present in chicken, increasing the likelihood that this variant may not have clinical significance. Computational analyses (PolyPhen-2, SIFT, AlignGVGD, BLOSUM) provide inconsistent predictions regarding the impact to the protein and this information is not very predictive of pathogenicity. The results of studies assessing the impact of the variant on the protein are conflicting: a study by Mirkovic (2004) using in silico protein structure modeling predicts this variant to be deleterious; however, algorithms developed by Karchin (2007) predict this variant to be neutral, and a functional study by Lee (2010) found no effect of this variant on BRCA1 protein stability, protein binding and transcriptional activity. In summary, based on the above information, the clinical significance of this variant cannot be determined with certainty at this time although we would lean towards a more benign role for this variant. This variant is classified as predicted benign.

Literature cited by the submitters: PubMed 30287823 (cited by Quest Diagnostics Nichols Institute San Juan Capistrano and Women's Health and Genetics/Laboratory Corporation of America, LabCorp); PubMed 30765603 (cited by Quest Diagnostics Nichols Institute San Juan Capistrano and Women's Health and Genetics/Laboratory Corporation of America, LabCorp); PubMed 33087888 (cited by Quest Diagnostics Nichols Institute San Juan Capistrano); PubMed 31131967 (cited by Quest Diagnostics Nichols Institute San Juan Capistrano); PubMed 32438681 (cited by Quest Diagnostics Nichols Institute San Juan Capistrano and Women's Health and Genetics/Laboratory Corporation of America, LabCorp); PubMed 33471991 (cited by Quest Diagnostics Nichols Institute San Juan Capistrano and Women's Health and Genetics/Laboratory Corporation of America, LabCorp); PubMed 30209399 (cited by Quest Diagnostics Nichols Institute San Juan Capistrano and Women's Health and Genetics/Laboratory Corporation of America, LabCorp); PubMed 28781887 (cited by Quest Diagnostics Nichols Institute San Juan Capistrano and Women's Health and Genetics/Laboratory Corporation of America, LabCorp); PubMed 26913838 (cited by Quest Diagnostics Nichols Institute San Juan Capistrano and Women's Health and Genetics/Laboratory Corporation of America, LabCorp); PubMed 26689913 (cited by 3 submitters); PubMed 16267036 (cited by 3 submitters); PubMed 14534301 (cited by Quest Diagnostics Nichols Institute San Juan Capistrano and Women's Health and Genetics/Laboratory Corporation of America, LabCorp); PubMed 25724305 (cited by 3 submitters); PubMed 15172985 (cited by 3 submitters); PubMed 20516115 (cited by 3 submitters); PubMed 17305420 (cited by Quest Diagnostics Nichols Institute San Juan Capistrano and Women's Health and Genetics/Laboratory Corporation of America, LabCorp); PubMed 23451180 (cited by 3 submitters); PubMed 21769658 (cited by 3 submitters); PubMed 15365993 (cited by Quest Diagnostics Nichols Institute San Juan Capistrano); PubMed 16026807 (cited by 3 submitters); PubMed 25748678 (cited by Quest Diagnostics Nichols Institute San Juan Capistrano and Women's Health and Genetics/Laboratory Corporation of America, LabCorp).